The following is an entry in ClinVar:

NM_002294.3(LAMP2):c.64+6T>C

Gene: LAMP2 (lysosome associated membrane protein 2; minus strand). Cytogenetic location: Xq24.
Variant type: single nucleotide variant.
Coding change: c.64+6T>C on transcript NM_002294.3 (MANE Select); 6 bases into the intron after coding-DNA position 64, T replaced by C.
Molecular consequence: intron variant.
Genome position (GRCh38, 1-based): chrX:120,469,100, A>G on the plus strand (T>C on the coding strand, the complement: LAMP2 is on the minus strand). VCF-style: chrX-120469100-A-G. GRCh37 (hg19) VCF-style: chrX-119602955-A-G.
Other names: c.64+6T>C (NM_001122606.1, NM_013995.2).
Identifiers: ClinVar variation 1395879 (VCV001395879.6), dbSNP rs1921660826, ClinGen allele CA1136820742.
Genomic context (GRCh38, chrX:120,469,100, plus strand): 5'-TTGTAGCTTTGAACTGGTGCCCCGGGCCCAGGCGGACAGACTAATCGGGAGGGCCCGACA[A>G]CTCACCCAGGACTAGGCAGACCAGAACGAGCCCTGAGCCCGGAACCGGGAAGAGGCGGAA-3'

ClinVar aggregate classification (germline): Uncertain significance (1 of 4 stars; one submission).

Conditions:
Danon disease. Also called: PSEUDOGLYCOGENOSIS II; GSD IIb; LYSOSOMAL GLYCOGEN STORAGE DISEASE WITHOUT ACID MALTASE DEFICIENCY; ANTOPOL DISEASE; Glycogen Storage Disease Type IIb. Identifiers: Orphanet 34587, MedGen C0878677, MONDO:0010281, OMIM 300257.

Allele frequency attached by ClinVar (database versions not stated): gnomAD exomes below 0.00001; TOPMed 0.00001; gnomAD 0.00002.
gnomAD v4.1: 3 of 1,209,306 alleles (0.00025%); highest among the groups gnomAD compares: African/African-American, 0.0035%; no homozygotes.

Submission:

Labcorp Genetics (formerly Invitae), Labcorp
Classification: Uncertain significance for Danon disease. Last evaluated: 2023-11-27. Review status: criteria provided, single submitter. Criteria: Invitae Variant Classification Sherloc (09022015). Collection method: clinical testing. Allele origin: germline.
Comment: This sequence change falls in intron 1 of the LAMP2 gene. It does not directly change the encoded amino acid sequence of the LAMP2 protein. It affects a nucleotide within the consensus splice site. This variant is not present in population databases (gnomAD no frequency). This variant has not been reported in the literature in individuals affected with LAMP2-related conditions. ClinVar contains an entry for this variant (Variation ID: 1395879). Variants that disrupt the consensus splice site are a relatively common cause of aberrant splicing (PMID: 17576681, 9536098). Algorithms developed to predict the effect of sequence changes on RNA splicing suggest that this variant may disrupt the consensus splice site. In summary, the available evidence is currently insufficient to determine the role of this variant in disease. Therefore, it has been classified as a Variant of Uncertain Significance.

Literature cited by the submitters: PubMed 17576681; PubMed 9536098.